The following is an entry in ClinVar:

NM_000038.6(APC):c.6400T>G (p.Ser2134Ala)

Gene: APC (APC regulator of Wnt signaling pathway; plus strand). Cytogenetic location: 5q22.2.
Variant type: single nucleotide variant.
Coding change: c.6400T>G on transcript NM_000038.6 (MANE Select); coding-DNA position 6400, T replaced by G.
Protein change: p.Ser2134Ala; replaces serine 2134 with alanine.
Molecular consequence: missense variant.
Genome position (GRCh38, 1-based): chr5:112,841,994, T>G. VCF-style: chr5-112841994-T-G. GRCh37 (hg19) VCF-style: chr5-112177691-T-G.
Other names: c.6013T>G, p.Ser2005Ala (NM_001407469.1, NM_001407467.1); c.5551T>G, p.Ser1851Ala (NM_001407470.1, NM_001354906.2); c.5248T>G, p.Ser1750Ala (NM_001407471.1, NM_001407472.1); c.6400T>G, p.Ser2134Ala (NM_001127510.3, NM_001354895.2, NM_001407450.1); c.6346T>G, p.Ser2116Ala (NM_001127511.3); c.6454T>G, p.Ser2152Ala (NM_001354896.2, NM_001407447.1, NM_001407448.1 and 1 more transcripts); c.6430T>G, p.Ser2144Ala (NM_001354897.2); c.6325T>G, p.Ser2109Ala (NM_001354898.2); and 11 more; short protein forms S1750A, S1851A, S1974A, S2005A, S2008A, S2033A, S2043A, S2051A.
Identifiers: ClinVar variation 1721169 (VCV001721169.6), dbSNP rs2533711931, ClinGen allele CA16035346.

ClinVar aggregate classification (germline): Uncertain significance (1 of 4 stars; one submission).

Conditions:
Familial adenomatous polyposis 1 (FAP1). Also called: FAMILIAL ADENOMATOUS POLYPOSIS 1, ATTENUATED; POLYPOSIS, ADENOMATOUS INTESTINAL. Identifiers: MedGen C2713442, MONDO:0021056, OMIM 175100. Disease mechanism: loss of function.

Submission:

Labcorp Genetics (formerly Invitae), Labcorp
Classification: Uncertain significance for Familial adenomatous polyposis 1. Last evaluated: 2022-10-07. Review status: criteria provided, single submitter. Criteria: Invitae Variant Classification Sherloc (09022015). Collection method: clinical testing. Allele origin: germline.
Comment: This variant is not present in population databases (gnomAD no frequency). This sequence change replaces serine, which is neutral and polar, with alanine, which is neutral and non-polar, at codon 2134 of the APC protein (p.Ser2134Ala). This variant has not been reported in the literature in individuals affected with APC-related conditions. In summary, the available evidence is currently insufficient to determine the role of this variant in disease. Therefore, it has been classified as a Variant of Uncertain Significance. Advanced modeling of protein sequence and biophysical properties (such as structural, functional, and spatial information, amino acid conservation, physicochemical variation, residue mobility, and thermodynamic stability) performed at Invitae indicates that this missense variant is not expected to disrupt APC protein function.